The following is an entry in ClinVar:

ClinVar aggregate classification (germline): Conflicting classifications of pathogenicity. Review status: criteria provided, conflicting classifications (1 of 4 stars). 3 submissions from 3 submitters: Pathogenic (1); Uncertain significance (2). Last evaluated 2023-03-14.

Conditions:
CHARGE syndrome (CHARGE). Also called: Hittner Hirsch Kreh syndrome; CHARGE ASSOCIATION--COLOBOMA, HEART ANOMALY, CHOANAL ATRESIA, RETARDATION, GENITAL AND EAR ANOMALIES; Coloboma, heart anomaly, choanal atresia, retardation, genital and ear anomalies; CHARGE association; Hall-Hittner syndrome. Identifiers: Orphanet 138, MedGen C0265354, MONDO:0008965.

Allele frequency attached by ClinVar (database versions not stated): gnomAD exomes below 0.00001; TOPMed below 0.00001; gnomAD 0.00001.
gnomAD v4.1: 2 of 1,610,868 alleles (0.00012%); highest among the groups gnomAD compares: African/African-American, 0.0013%; no homozygotes.

Submissions (3):

Labcorp Genetics (formerly Invitae), Labcorp
Classification: Pathogenic for CHARGE syndrome. Last evaluated: 2023-03-14. Review status: criteria provided, single submitter. Criteria: Invitae Variant Classification Sherloc (09022015). Collection method: clinical testing. Allele origin: germline.
Comment: This sequence change replaces arginine, which is basic and polar, with glutamine, which is neutral and polar, at codon 886 of the CHD7 protein (p.Arg886Gln). The frequency data for this variant in the population databases is considered unreliable, as metrics indicate poor data quality at this position in the gnomAD database. This missense change has been observed in individual(s) with clinical features of CHD7-related conditions (PMID: 25533962). In at least one individual the variant was observed to be de novo. ClinVar contains an entry for this variant (Variation ID: 1304529). Advanced modeling of protein sequence and biophysical properties (such as structural, functional, and spatial information, amino acid conservation, physicochemical variation, residue mobility, and thermodynamic stability) performed at Invitae indicates that this missense variant is expected to disrupt CHD7 protein function. This variant disrupts the p.Arg886 amino acid residue in CHD7. Other variant(s) that disrupt this residue have been determined to be pathogenic (PMID: 25077900, 30098700). This suggests that this residue is clinically significant, and that variants that disrupt this residue are likely to be disease-causing. For these reasons, this variant has been classified as Pathogenic.

Revvity Omics, Revvity
Classification: Uncertain significance. Last evaluated: 2020-12-23. Review status: criteria provided, single submitter. Criteria: ACMG Guidelines, 2015. Collection method: clinical testing. Allele origin: germline.

GeneDx
Classification: Uncertain significance. Last evaluated: 2020-06-22. Review status: criteria provided, single submitter. Criteria: GeneDx Variant Classification Process June 2021. Collection method: clinical testing. Allele origin: germline. Affected: yes.
Comment: Not observed at a significant frequency in large population cohorts (Lek et al., 2016); In silico analysis supports that this missense variant has a deleterious effect on protein structure/function; A different missense change at this residue (R886W) has been reported in the Human Gene Mutation Database (Stenson et al., 2014); This variant is associated with the following publications: (PMID: 28191890, 25533962)

Literature cited by the submitters: PubMed 25533962 (cited by Labcorp Genetics (formerly Invitae), Labcorp); PubMed 25077900 (cited by Labcorp Genetics (formerly Invitae), Labcorp); PubMed 30098700 (cited by Labcorp Genetics (formerly Invitae), Labcorp).

NM_017780.4(CHD7):c.2657G>A (p.Arg886Gln)

Gene: CHD7 (chromodomain helicase DNA binding protein 7; plus strand). Cytogenetic location: 8q12.2.
Variant type: single nucleotide variant.
Coding change: c.2657G>A on transcript NM_017780.4 (MANE Select); coding-DNA position 2657, G replaced by A.
Protein change: p.Arg886Gln; replaces arginine 886 with glutamine.
Molecular consequence: missense variant. On other transcripts: intron variant (1).
Genome position (GRCh38, 1-based): chr8:60,820,050, G>A. VCF-style: chr8-60820050-G-A. GRCh37 (hg19) VCF-style: chr8-61732609-G-A.
Other names: c.1716+39000G>A (NM_001316690.1); short protein forms R886Q.
Identifiers: ClinVar variation 1304529 (VCV001304529.7), dbSNP rs1384228127, ClinGen allele CA371306755.